The following is an entry in ClinVar:

ClinVar aggregate classification (germline): Likely pathogenic (1 of 4 stars; one submission).

Conditions:
Cataract 1 multiple types. Also called: CATARACT, DUFFY-LINKED; CATARACT 1, POSTERIOR SUBCAPSULAR, WITH MICROCORNEA; CATARACT 1, STELLATE NUCLEAR, WITH MICROCORNEA; CATARACT 1, MULTIPLE TYPES, WITH OR WITHOUT MICROCORNEA; CATARACT 1, NUCLEAR PROGRESSIVE; CATARACT 1 WITH MICROCORNEA. Identifiers: Orphanet 1377, MedGen C1861828, MONDO:0007285, OMIM 116200.

Submission:

Dept. Genetics and Cancer, Menzies Institute for Medical Research, University of Tasmania
Classification: Likely pathogenic for Cataract 1 multiple types. Last evaluated: 2023-01-21. Review status: criteria provided, single submitter. Criteria: ACMG Guidelines, 2015. Collection method: curation. Allele origin: germline. Affected: yes.
Comment: Variant identified and curated during a GJA8 specific review of the literature in relation to pediatric or congenital cataract. ACMG-AMP criteria applied: PP1(Strong), PM4, PS4(Supporting), PM2(Supporting). Original variant report: PMID:26996484;34722561. The cataract phenotype/s reported for this variant are: Nuclear, and Y-sutural with embryonal nuclear. Additional phenotype/s reported in these individual/s are: high myopia and nystagmus. Note: updated variant nomenclature to that originally reported. Gene review and curation guidelines are outlined in: DOI 10.1080/17469899.2023.2160320

Literature cited by the submitters: PubMed 26996484; PubMed 34722561.

NM_005267.5(GJA8):c.430_444del (p.Glu144_Leu148del)

Gene: GJA8 (gap junction protein alpha 8; plus strand). Cytogenetic location: 1q21.2.
Variant type: Deletion.
Coding change: c.430_444del on transcript NM_005267.5 (MANE Select); coding-DNA positions 430 to 444, 15 bases deleted (GAGGGGACCCTGCTG).
Protein change: p.Glu144_Leu148del.
Genome position (GRCh38, 1-based): chr1:147,908,385-147,908,399, GAGGGGACCCTGCTG deleted; deleting any 15 consecutive bases within chr1:147,908,381-147,908,399 gives the same sequence; the c. name uses the placement nearest the transcript's 3' end. VCF-style (leftmost placement, unchanged base first): chr1-147908380-GGCTGGAGGGGACCCT-G. GRCh37 (hg19) VCF-style: chr1-147380507-GGCTGGAGGGGACCCT-G.
Identifiers: ClinVar variation 3253662 (VCV003253662.1), dbSNP rs2524891019.